The following is an entry in ClinVar:

ClinVar aggregate classification (germline): Conflicting classifications of pathogenicity. Review status: criteria provided, conflicting classifications (1 of 4 stars). 2 submissions from 2 submitters: Pathogenic (1); Uncertain significance (1). Last evaluated 2025-08-25.

Conditions:
Curry-Hall syndrome (WAD). Also called: WEYERS ACRODENTAL DYSOSTOSIS. Identifiers: Orphanet 952, MedGen C0457013, MONDO:0008673, OMIM 193530.
Ellis-van Creveld syndrome (EVC). Also called: Chondroectodermal dysplasia; MESOECTODERMAL DYSPLASIA; EVC-Related Ellis-van Creveld Syndrome; EVC2-Related Ellis-van Creveld Syndrome. Identifiers: Orphanet 289, MedGen C0013903, MONDO:0009162, OMIM 225500.
Inborn genetic diseases. Identifiers: MedGen C0950123, MeSH D030342.

Submissions (2):

Ambry Genetics
Classification: Uncertain significance for Inborn genetic diseases. Last evaluated: 2025-08-25. Review status: criteria provided, single submitter. Criteria: Ambry Variant Classification Scheme 2023. Collection method: clinical testing. Allele origin: germline.
Comment: The c.3640delG (p.A1214Pfs*9) alteration, located in exon 21 (coding exon 21) of the EVC2 gene, consists of a deletion of one nucleotide at position 3640, causing a translational frameshift with a predicted alternate stop codon after 9 amino acids. This variant is not expected to trigger nonsense-mediated mRNA decay and impacts the last 7% of the protein. The exact functional effect of this alteration is unknown. This variant was not reported in population-based cohorts in the Genome Aggregation Database (gnomAD). Based on insufficient or conflicting evidence, the clinical significance of this alteration remains unclear.

Labcorp Genetics (formerly Invitae), Labcorp
Classification: Pathogenic for Curry-Hall syndrome; Ellis-van Creveld syndrome. Last evaluated: 2018-12-10. Review status: criteria provided, single submitter. Criteria: Invitae Variant Classification Sherloc (09022015). Collection method: clinical testing. Allele origin: germline.
Comment: This sequence change results in a premature translational stop signal in the EVC2 gene (p.Ala1214Profs*9). While this is not anticipated to result in nonsense mediated decay, it is expected to disrupt the last 95 amino acids of the EVC2 protein. This variant is not present in population databases (ExAC no frequency). For these reasons, this variant has been classified as Pathogenic. This variant disrupts the C-terminus of the EVC2 protein. Other variant(s) that disrupt this region (p.Glu1220Argfs*3) have been determined to be pathogenic (PMID: 12571802, 19810119). This suggests that variants that disrupt this region of the protein are likely to be causative of disease. This variant has not been reported in the literature in individuals with EVC2-related conditions.

Literature cited by the submitters: PubMed 12571802 (cited by Labcorp Genetics (formerly Invitae), Labcorp); PubMed 19810119 (cited by Labcorp Genetics (formerly Invitae), Labcorp).

NM_147127.5(EVC2):c.3640del (p.Ala1214fs)

Gene: EVC2 (EvC ciliary complex subunit 2; minus strand). Cytogenetic location: 4p16.2.
Variant type: Deletion.
Coding change: c.3640del on transcript NM_147127.5 (MANE Select); coding-DNA position 3640, one base deleted (G; older notation c.3640delG).
Protein change: p.Ala1214fs; shifts the reading frame from alanine 1214.
Molecular consequence: frameshift variant.
Genome position (GRCh38, 1-based): chr4:5,565,277, C deleted on the plus strand (G on the coding strand, the reverse complement: EVC2 is on the minus strand); the first of 3 consecutive C bases (chr4:5,565,277-5,565,279); deleting any one gives the same sequence. VCF-style (leftmost placement, unchanged base first): chr4-5565276-GC-G. GRCh37 (hg19) VCF-style: chr4-5567003-GC-G.
Other names: c.3640delG (NM_147127.4); c.3400del, p.Ala1134fs (NM_001166136.2); short protein forms A1214fs, A1134fs.
Identifiers: ClinVar variation 650524 (VCV000650524.11), dbSNP rs1577095782, ClinGen allele CA915944121.